The following is an entry in ClinVar:

ClinVar aggregate classification (germline): Pathogenic. Review status: reviewed by expert panel (3 of 4 stars). 27 submissions from 27 submitters: Pathogenic (1). 26 of the submissions do not count toward it. Last evaluated 2016-04-22.

Conditions:
Inherited breast cancer and ovarian cancer.
Pancreatic cancer, susceptibility to, 2. Identifiers: Orphanet 1333, MedGen C3150546, MONDO:0013235, OMIM 613347.
Glioma susceptibility 3 (GLM3). Also called: Glioblastoma 3. Identifiers: Orphanet 182067, Orphanet 360, MedGen C2751641, MONDO:0013093, OMIM 613029.
Familial prostate cancer. Also called: Hereditary Prostate Cancer. Identifiers: MedGen C2931456, MONDO:0700275, OMIM 176807.
Breast-ovarian cancer, familial, susceptibility to, 2 (BROVCA2). Also called: BRCA2 Hereditary Breast and Ovarian Cancer. Identifiers: Orphanet 145, MedGen C2675520, MONDO:0012933, OMIM 612555. Disease mechanism: loss of function.
Fanconi anemia complementation group D1. Also called: BRCA2-Related Fanconi Anemia. Identifiers: Orphanet 319462, MedGen C1838457, MONDO:0011584, OMIM 605724.
Medulloblastoma (MDB). Also called: Medulloblastoma, somatic; MEDULLOBLASTOMA PREDISPOSITION SYNDROME. Identifiers: Orphanet 616, MedGen C0025149, MeSH D008527, MONDO:0007959, OMIM 155255, HP:0002885.
Wilms tumor 1 (WT1). Also called: Wilms tumor, somatic. Identifiers: Orphanet 654, MedGen CN033288, MONDO:0008679, OMIM 194070.
Familial cancer of breast. Also called: BREAST CANCER, FAMILIAL; hereditary breast carcinoma; Hereditary breast cancer. Identifiers: Orphanet 227535, MedGen C0346153, MONDO:0016419, OMIM 114480. Disease mechanism: loss of function.
BRCA2-related disorder. Also called: BRCA2-related condition; BRCA2-related disorders. Identifiers: MedGen CN239275.
Hereditary cancer-predisposing syndrome. Also called: Neoplastic Syndromes, Hereditary; Tumor predisposition; Hereditary Cancer Syndrome; Hereditary neoplastic syndrome. Identifiers: Orphanet 140162, MedGen C0027672, MeSH D009386, MONDO:0015356.
Hereditary breast ovarian cancer syndrome. Also called: Breast and ovarian cancer; Hereditary breast and ovarian cancer; Hereditary breast and ovarian cancer syndrome (HBOC); Hereditary breast and ovarian cancer syndrome; BRCA1- and BRCA2-Associated Hereditary Breast and Ovarian Cancer; Hereditary breast and/or ovarian cancer syndrome. Identifiers: Orphanet 145, MedGen C0677776, MeSH D061325, MONDO:0003582. Disease mechanism: loss of function.

Allele frequency attached by ClinVar (database versions not stated): gnomAD 0.00001 and 0.00003; gnomAD exomes 0.00002; TOPMed 0.00002.

Submissions 1 to 8 of 27:

Evidence-based Network for the Interpretation of Germline Mutant Alleles (ENIGMA)
Classification: Pathogenic for Breast-ovarian cancer, familial, susceptibility to, 2. Last evaluated: 2016-04-22. Review status: reviewed by expert panel. Criteria: ENIGMA BRCA1/2 Classification Criteria (2015). Collection method: curation. Allele origin: germline.
Comment: Variant allele predicted to encode a truncated non-functional protein.

Labcorp Genetics (formerly Invitae), Labcorp
Classification: Pathogenic for Hereditary breast ovarian cancer syndrome. Last evaluated: 2026-01-27. Review status: criteria provided, single submitter. Criteria: Invitae Variant Classification Sherloc (09022015). Collection method: clinical testing. Allele origin: germline. Not counted in ClinVar's aggregate classification.
Comment: This sequence change creates a premature translational stop signal (p.Leu1227Glnfs*5) in the BRCA2 gene. It is expected to result in an absent or disrupted protein product. Loss-of-function variants in BRCA2 are known to be pathogenic (PMID: 20104584). This variant is present in population databases (rs80359395, gnomAD 0.01%). This premature translational stop signal has been observed in individual(s) with breast and/or ovarian cancer (PMID: 11179017, 22762150, 24013928, 24728189, 24916970, 26845104, 27356891). This variant is also known as 3908_3909delTG. ClinVar contains an entry for this variant (Variation ID: 51504). For these reasons, this variant has been classified as Pathogenic.

Ambry Genetics
Classification: Pathogenic for Hereditary cancer-predisposing syndrome. Last evaluated: 2025-09-23. Review status: criteria provided, single submitter. Criteria: Ambry Variant Classification Scheme 2023. Collection method: clinical testing. Allele origin: germline. Not counted in ClinVar's aggregate classification.
Comment: The c.3680_3681delTG (p.L1227Qfs*5) alteration, located in exon 11 (coding exon 10) of the BRCA2 gene, consists of a deletion of 2 nucleotides from position 3680 to 3681, causing a translational frameshift with a predicted alternate stop codon after 5 amino acids. This alteration is expected to result in loss of function by premature protein truncation or nonsense-mediated mRNA decay. Based on data from gnomAD, this allele has an overall frequency of 0.003% (1/31392) total alleles studied. The highest observed frequency was 0.012% (1/8710) of African alleles. This alteration has been reported in numerous ancestrally diverse individuals with a personal and/or family history of breast and/or ovarian cancer (Peto, 1999; Risch, 2001; Miramar, 2008; Zhang, 2011; Song, 2014; Pal, 2015; Peixoto, 2015; Singh, 2018; Wen, 2018; Cotrim, 2019; Petridis, 2019; Santonocito, 2020; Sandoval, 2021). In addition, this alteration was reported in one individual with a personal history of early-onset familial colorectal cancer (Dobbins, 2016). Of note, this alteration is also designated as 3908delTG and 3908_3909delTG in published literature. Based on the available evidence, this alteration is classified as pathogenic.

PreventionGenetics, part of Exact Sciences
Classification: Pathogenic for BRCA2-related condition. Last evaluated: 2025-05-12. Review status: criteria provided, single submitter. Criteria: ACMG Guidelines, 2015. Collection method: clinical testing. Allele origin: germline. Not counted in ClinVar's aggregate classification.
Comment: The BRCA2 c.3680_3681delTG variant is predicted to result in a frameshift and premature protein termination (p.Leu1227Glnfs*5). This variant (also known as c.3908_3909delTG) has been reported as pathogenic in multiple individuals with hereditary breast and/or ovarian cancer (Song et al. 2014. PubMed ID: 24728189. Table S1; Risch et al. 2001. PubMed ID: 11179017; Pal et al. 2014. PubMed ID: 24013928; Dobbins et al. 2016. PubMed ID: 27356891;Bennett et al. 2021. PubMed ID: 33654310. Table S1). This variant is reported in 0.011% of alleles in individuals of African descent in gnomAD. It is interpreted as pathogenic by multiple submitters in ClinVar. Frameshift variants in BRCA2 are expected to be pathogenic. This variant is interpreted as pathogenic.

Variantyx, Inc.
Classification: Pathogenic for Breast-ovarian cancer, familial, susceptibility to, 2. Last evaluated: 2025-04-25. Review status: criteria provided, single submitter. Criteria: Variantyx Assertion Criteria 2022. Collection method: clinical testing. Allele origin: germline. Inheritance: Autosomal dominant inheritance. Affected: yes. Not counted in ClinVar's aggregate classification.
Comment: This is a frameshift variant in the BRCA2 gene (OMIM: 600185). Pathogenic variants in this gene have been associated with autosomal dominant susceptibility to familial breast-ovarian cancer 2. This variant introduces a premature termination codon in exon 11 out of 27and is expected to result in loss of function, which is a known disease mechanism for BRCA2 in this disorder (PMID: 16199546, 17063271, 25632310, 12097290, 11897832, 12569143, 20301425) (PVS1). This truncating variant occurs in exon 11, where different proven pathogenic truncating variants have been seen before (PMID: 39142283) (PM5_Strong). and it has a 0.0040% maximum allele frequency in non-founder control populations. Based on the current evidence, this variant is classified as pathogenic for autosomal dominant susceptibility to familial breast-ovarian cancer 2.

Color Diagnostics, LLC DBA Color Health
Classification: Pathogenic for Hereditary cancer-predisposing syndrome. Last evaluated: 2025-03-04. Review status: criteria provided, single submitter. Criteria: ACMG Guidelines, 2015. Collection method: clinical testing. Allele origin: germline. Not counted in ClinVar's aggregate classification.
Comment: This variant deletes 2 nucleotides in exon 11 of the BRCA2 gene, creating a frameshift and premature translation stop signal. This variant is also known as 3908delTG in the literature. This variant is expected to result in an absent or non-functional protein product. This variant has been reported in dozens of individuals and families affected with breast and/or ovarian cancer (PMID: 10359546, 11179017, 16826315, 18176857, 21324516, 22711857, 22762150, 24013928, 24916970, 26845104, 33471991, 33606809, 34657373, 35534704, 36853301, 38922859) and one individual each affected with endometrial and colorectal cancer (PMID: 24728189, 27356891). This variant has been identified in 1/31392 chromosomes in the general population by the Genome Aggregation Database (gnomAD). Loss of BRCA2 function is a known mechanism of disease. Based on the available evidence, this variant is classified as Pathogenic.

Quest Diagnostics Nichols Institute San Juan Capistrano
Classification: Pathogenic. Last evaluated: 2025-01-13. Review status: criteria provided, single submitter. Criteria: Quest Diagnostics criteria. Collection method: clinical testing. Allele origin: unknown. Not counted in ClinVar's aggregate classification.
Comment: The BRCA2 c.3680_3681del (p.Leu1227Glnfs*5) variant alters the translational reading frame of the BRCA2 mRNA and causes the premature termination of BRCA2 protein synthesis. This variant has been reported in the published literature in individuals with breast cancer (PMID: 24013928 (2014), 25186627 (2015), 32868316 (2020), 35534704 (2022), 36853301 (2023)), ovarian cancer (PMID: 11179017 (2001), 30606148 (20190, 34657373 (2022)), and osteosarcoma (PMID: 37536918 (2023)). This variant has also been identified in reportedly healthy individuals (PMID: 33471991 (2021), see also LOVD). The frequency of this variant in the general population (Genome Aggregation Database) is consistent with pathogenicity. Based on the available information, this variant is classified as pathogenic.

Mayo Clinic Laboratories, Mayo Clinic
Classification: Pathogenic. Last evaluated: 2024-09-15. Review status: criteria provided, single submitter. Criteria: ACMG Guidelines, 2015. Collection method: clinical testing. Allele origin: germline. Observed: 1 variant allele. Not counted in ClinVar's aggregate classification.
Comment: PM5_strong, PVS1

NM_000059.4(BRCA2):c.3680_3681del (p.Leu1227fs)

Gene: BRCA2 (BRCA2 DNA repair associated; plus strand). Cytogenetic location: 13q13.1.
Variant type: Deletion.
Coding change: c.3680_3681del on transcript NM_000059.4 (MANE Select); coding-DNA positions 3680 to 3681, 2 bases deleted (TG; older notation c.3680_3681delTG).
Protein change: p.Leu1227fs; shifts the reading frame from leucine 1227.
Molecular consequence: frameshift variant.
Genome position (GRCh38, 1-based): chr13:32,338,035-32,338,036, TG deleted. VCF-style (leftmost placement, unchanged base first): chr13-32338034-CTG-C. GRCh37 (hg19) VCF-style: chr13-32912171-CTG-C.
Other names: 3908_3909delTG; 3908delTG; c.3680_3681delTG (NM_000059.3).
Identifiers: ClinVar variation 51504 (VCV000051504.55), dbSNP rs80359395, ClinGen allele CA018546.